The following is an entry in ClinVar:

ClinVar aggregate classification (germline): Uncertain significance (1 of 4 stars; one submission).

Conditions:
Idiopathic generalized epilepsy. Also called: EIG; Generalised epilepsy. Identifiers: MedGen C0270850, MONDO:0005579, OMIM 600669.

Submission:

Labcorp Genetics (formerly Invitae), Labcorp
Classification: Uncertain significance for Idiopathic generalized epilepsy. Last evaluated: 2019-05-29. Review status: criteria provided, single submitter. Criteria: Invitae Variant Classification Sherloc (09022015). Collection method: clinical testing. Allele origin: germline.
Comment: This variant results in a copy number gain of the genomic region encompassing the full coding sequence of the GABRD gene. The boundaries of this event are unknown as they extend beyond the assayed region for this gene and therefore may encompass additional genes. As the precise location of this event is unknown, it may be in tandem or it may be located elsewhere in the genome. This variant has not been reported in the literature in individuals with GABRD-related disease. ClinVar contains an entry for this variant (Variation ID: 459999). In summary, the available evidence is currently insufficient to determine the role of this variant in disease. Therefore, it has been classified as a Variant of Uncertain Significance.

NC_000001.10:g.(?_1950843)_(1961741_?)dup

Gene: GABRD (gamma-aminobutyric acid type A receptor subunit delta; plus strand). Cytogenetic location: 1p36.33.
Variant type: Duplication.
Identifiers: ClinVar variation 459999 (VCV000459999.4).